The following is an entry in ClinVar:

ClinVar aggregate classification (germline): Conflicting classifications of pathogenicity. Review status: criteria provided, conflicting classifications (1 of 4 stars). 10 submissions from 9 submitters: Uncertain significance (9); Likely benign (1). Last evaluated 2026-03-01.

Conditions:
Inborn genetic diseases. Identifiers: MedGen C0950123, MeSH D030342.
Lethal Kniest-like syndrome (DDSH). Also called: Dyssegmental Dysplasia. Identifiers: Orphanet 1865, MedGen C1857100, MONDO:0009140, OMIM 224410.
Schwartz-Jampel syndrome. Also called: Myotonic myopathy dwarfism chondrodystrophy and ocular and facial abnormalities. Identifiers: Orphanet 800, MedGen C0036391, MONDO:0009717.

Allele frequency attached by ClinVar (database versions not stated): ExAC 0.00008; gnomAD exomes 0.00008 and 0.00022; gnomAD 0.00011 and 0.00012; 1000 Genomes Project 30x 0.00016; TOPMed 0.00019; 1000 Genomes Project 0.00020; ESP Exome Variant Server 0.00031.
gnomAD v4.1: 356 of 1,613,176 alleles (0.022%); highest among the groups gnomAD compares: Middle Eastern, 0.11%; no homozygotes.

Submissions (10):

CeGaT Center for Human Genetics Tuebingen
Classification: Likely benign. Last evaluated: 2026-03-01. Review status: criteria provided, single submitter. Criteria: CeGaT Center For Human Genetics Tuebingen Variant Classification Criteria Version 2. Collection method: clinical testing. Allele origin: germline. Affected: yes. Observed: 1 variant allele.
Comment: HSPG2: BP4, BS2

Ambry Genetics
Classification: Uncertain significance for Inborn genetic diseases. Last evaluated: 2025-02-26. Review status: criteria provided, single submitter. Criteria: Ambry Variant Classification Scheme 2023. Collection method: clinical testing. Allele origin: germline.

Blueprint Genetics
Classification: Uncertain significance. Last evaluated: 2024-11-01. Review status: criteria provided, single submitter. Criteria: ACMG Guidelines, 2015. Collection method: clinical testing. Allele origin: germline.

Labcorp Genetics (formerly Invitae), Labcorp
Classification: Uncertain significance. Last evaluated: 2024-06-12. Review status: criteria provided, single submitter. Criteria: Invitae Variant Classification Sherloc (09022015). Collection method: clinical testing. Allele origin: germline.
Comment: This sequence change replaces arginine, which is basic and polar, with glutamine, which is neutral and polar, at codon 2968 of the HSPG2 protein (p.Arg2968Gln). This variant is present in population databases (rs146428410, gnomAD 0.02%). This variant has not been reported in the literature in individuals affected with HSPG2-related conditions. ClinVar contains an entry for this variant (Variation ID: 295766). Algorithms developed to predict the effect of missense changes on protein structure and function output the following: SIFT: "Not Available"; PolyPhen-2: "Benign"; Align-GVGD: "Not Available". The glutamine amino acid residue is found in multiple mammalian species, which suggests that this missense change does not adversely affect protein function. In summary, the available evidence is currently insufficient to determine the role of this variant in disease. Therefore, it has been classified as a Variant of Uncertain Significance.

GeneDx
Classification: Uncertain significance. Last evaluated: 2023-12-14. Review status: criteria provided, single submitter. Criteria: GeneDx Variant Classification Process June 2021. Collection method: clinical testing. Allele origin: germline. Affected: yes.
Comment: In silico analysis supports that this missense variant does not alter protein structure/function; Has not been previously published as pathogenic or benign to our knowledge

Revvity Omics, Revvity
Classification: Uncertain significance. Last evaluated: 2019-06-27. Review status: criteria provided, single submitter. Criteria: ACMG Guidelines, 2015. Collection method: clinical testing. Allele origin: germline.

Athena Diagnostics
Classification: Uncertain significance. Last evaluated: 2018-10-09. Review status: criteria provided, single submitter. Criteria: Athena Diagnostics Criteria. Collection method: clinical testing. Allele origin: germline.

Illumina Laboratory Services, Illumina
Classification: Uncertain significance for Schwartz-Jampel syndrome type 1. Last evaluated: 2018-01-13. Review status: criteria provided, single submitter. Criteria: ICSL Variant Classification Criteria 13 December 2019. Collection method: clinical testing. Allele origin: germline.

Illumina Laboratory Services, Illumina
Classification: Uncertain significance for Lethal Kniest-like syndrome. Last evaluated: 2018-01-13. Review status: criteria provided, single submitter. Criteria: ICSL Variant Classification Criteria 13 December 2019. Collection method: clinical testing. Allele origin: germline.

Breakthrough Genomics
Classification: Uncertain significance. Review status: criteria provided, single submitter. Criteria: ACMG Guidelines, 2015. Collection method: not provided. Allele origin: germline. Inheritance: Autosomal recessive inheritance. Affected: yes.

NM_005529.7(HSPG2):c.8903G>A (p.Arg2968Gln)

Gene: HSPG2 (heparan sulfate proteoglycan 2; minus strand). Cytogenetic location: 1p36.12.
Variant type: single nucleotide variant.
Coding change: c.8903G>A on transcript NM_005529.7 (MANE Select); coding-DNA position 8903, G replaced by A.
Protein change: p.Arg2968Gln; replaces arginine 2968 with glutamine.
Molecular consequence: missense variant.
Genome position (GRCh38, 1-based): chr1:21,842,777, C>T on the plus strand (G>A on the coding strand, the complement: HSPG2 is on the minus strand). VCF-style: chr1-21842777-C-T. GRCh37 (hg19) VCF-style: chr1-22169270-C-T.
Other names: c.8906G>A, p.Arg2969Gln (NM_001291860.2); short protein forms R2968Q, R2969Q.
Identifiers: ClinVar variation 295766 (VCV000295766.23), dbSNP rs146428410, ClinGen allele CA670625.
Genomic context (GRCh38, chr1:21,842,777, plus strand): 5'-CTGCAGGTCTAACCTTGCCTGACCTGGAATCCTCCCCATCCTGGCCCCTGTACCTGGTGC[C>T]GGGCGGGGAGGCTGCCCCCGCGCTTGTACCACGTGACCTGGGCATGGGCCTGCCCGGGCA-3'
Protein context (NP_005520.4, residues 2958-2978): WYKRGGSLPA[Arg2968Gln]HQTHGSQLRL